The following is an entry in ClinVar:

ClinVar aggregate classification (germline): Uncertain significance. Review status: criteria provided, multiple submitters, no conflicts (2 of 4 stars). 3 submissions from 3 submitters: Uncertain significance (3). Last evaluated 2025-12-05.

Conditions:
Neuroblastoma, susceptibility to, 1. Identifiers: MedGen C2749485, MONDO:0009741, OMIM 256700.
Charcot-Marie-Tooth disease type 2. Also called: Charcot-Marie-Tooth type 2. Identifiers: Orphanet 64746, MedGen C0270914, MONDO:0018993.

gnomAD v4.1: 14 of 1,614,128 alleles (0.00087%); highest among the groups gnomAD compares: East Asian, 0.0022%; no homozygotes.

Submissions (3):

Dasa
Classification: Uncertain significance for Neuroblastoma, susceptibility to, 1. Last evaluated: 2025-12-05. Review status: criteria provided, single submitter. Criteria: DASA Assertion Criteria. Collection method: clinical testing. Allele origin: germline.
Comment: NM_001365951.3(KIF1B):c.1364C>A (p.Thr455Lys) is a missense variant that results in the substitution of threonine with lysine. This variant is rare in population databases. Computational prediction algorithms are consistent with a benign effect. The currently available literature and clinical evidence are not sufficient to establish a definitive association between this variant and the reported condition. Therefore, this variant is classified as a variant of uncertain significance.

Ambry Genetics
Classification: Uncertain significance. Last evaluated: 2024-11-19. Review status: criteria provided, single submitter. Criteria: Ambry Variant Classification Scheme 2023. Collection method: clinical testing. Allele origin: germline.
Comment: The p.T409K variant (also known as c.1226C>A), located in coding exon 12 of the KIF1B gene, results from a C to A substitution at nucleotide position 1226. The threonine at codon 409 is replaced by lysine, an amino acid with similar properties. This amino acid position is not well conserved in available vertebrate species. In addition, this alteration is predicted to be tolerated by in silico analysis. The evidence for this gene-disease relationship is limited; therefore, the clinical significance of this alteration is unclear.

Labcorp Genetics (formerly Invitae), Labcorp
Classification: Uncertain significance for Charcot-Marie-Tooth disease type 2. Last evaluated: 2024-09-30. Review status: criteria provided, single submitter. Criteria: Invitae Variant Classification Sherloc (09022015). Collection method: clinical testing. Allele origin: germline.
Comment: This sequence change replaces threonine, which is neutral and polar, with lysine, which is basic and polar, at codon 409 of the KIF1B protein (p.Thr409Lys). This variant is present in population databases (rs201474903, gnomAD 0.004%). This variant has not been reported in the literature in individuals affected with KIF1B-related conditions. ClinVar contains an entry for this variant (Variation ID: 1754281). An algorithm developed to predict the effect of missense changes on protein structure and function (PolyPhen-2) suggests that this variant is likely to be tolerated. In summary, the available evidence is currently insufficient to determine the role of this variant in disease. Therefore, it has been classified as a Variant of Uncertain Significance.

NM_001365951.3(KIF1B):c.1364C>A (p.Thr455Lys)

Gene: KIF1B (kinesin family member 1B; plus strand). Cytogenetic location: 1p36.22.
Variant type: single nucleotide variant.
Coding change: c.1364C>A on transcript NM_001365951.3 (MANE Select); coding-DNA position 1364, C replaced by A.
Protein change: p.Thr455Lys; replaces threonine 455 with lysine.
Molecular consequence: missense variant.
Genome position (GRCh38, 1-based): chr1:10,282,463, C>A. VCF-style: chr1-10282463-C-A. GRCh37 (hg19) VCF-style: chr1-10342521-C-A.
Other names: c.1364C>A, p.Thr455Lys (NM_001365952.1); c.1226C>A, p.Thr409Lys (NM_001365953.1, NM_015074.3, NM_183416.4); short protein forms T455K, T409K.
Identifiers: ClinVar variation 1754281 (VCV001754281.8), dbSNP rs201474903, ClinGen allele CA580947.